The following is an entry in ClinVar:

ClinVar aggregate classification (germline): Uncertain significance (1 of 4 stars; one submission).

Submission:

Labcorp Genetics (formerly Invitae), Labcorp
Classification: Uncertain significance. Last evaluated: 2025-03-17. Review status: criteria provided, single submitter. Criteria: Invitae Variant Classification Sherloc (09022015). Collection method: clinical testing. Allele origin: germline.
Comment: This sequence change replaces alanine, which is neutral and non-polar, with glycine, which is neutral and non-polar, at codon 390 of the ABCA4 protein (p.Ala390Gly). This variant is not present in population databases (gnomAD no frequency). This variant has not been reported in the literature in individuals affected with ABCA4-related conditions. ClinVar contains an entry for this variant (Variation ID: 2748828). Invitae Evidence Modeling of protein sequence and biophysical properties (such as structural, functional, and spatial information, amino acid conservation, physicochemical variation, residue mobility, and thermodynamic stability) has been performed for this missense variant. However, the output from this modeling did not meet the statistical confidence thresholds required to predict the impact of this variant on ABCA4 protein function. In summary, the available evidence is currently insufficient to determine the role of this variant in disease. Therefore, it has been classified as a Variant of Uncertain Significance.

NM_000350.3(ABCA4):c.1169C>G (p.Ala390Gly)

Gene: ABCA4 (ATP binding cassette subfamily A member 4; minus strand). Cytogenetic location: 1p22.1.
Variant type: single nucleotide variant.
Coding change: c.1169C>G on transcript NM_000350.3 (MANE Select); coding-DNA position 1169, C replaced by G.
Protein change: p.Ala390Gly; replaces alanine 390 with glycine.
Molecular consequence: missense variant.
Genome position (GRCh38, 1-based): chr1:94,079,392, G>C on the plus strand (C>G on the coding strand, the complement: ABCA4 is on the minus strand). VCF-style: chr1-94079392-G-C. GRCh37 (hg19) VCF-style: chr1-94544948-G-C.
Other names: c.1169C>G, p.Ala390Gly (NM_001425324.1); short protein forms A390G.
Identifiers: ClinVar variation 2748828 (VCV002748828.3), dbSNP rs1043337703, ClinGen allele CA341283389.
Genomic context (GRCh38, chr1:94,079,392, plus strand): 5'-ATCCTTCGTGCTGCAGGTGAATCAGGAGTGTACAGGATTTTTCCCATCAGCAAAGGCTTT[G>C]CCGCCCTCCAAGCGATTTTGGTTAAAGGATTTGACTCCAGGCTCTGGATCAATGCATTAC-3'
Protein context (NP_000341.2, residues 380-400): NPLTKIAWRA[Ala390Gly]KPLLMGKILY